The following is an entry in ClinVar:

NM_001909.5(CTSD):c.229-19G>A

Gene: CTSD (cathepsin D; minus strand). Cytogenetic location: 11p15.5.
Variant type: single nucleotide variant.
Coding change: c.229-19G>A on transcript NM_001909.5 (MANE Select); 19 bases into the intron before coding-DNA position 229, G replaced by A.
Molecular consequence: intron variant.
Genome position (GRCh38, 1-based): chr11:1,759,658, C>T on the plus strand (G>A on the coding strand, the complement: CTSD is on the minus strand). VCF-style: chr11-1759658-C-T. GRCh37 (hg19) VCF-style: chr11-1780888-C-T.
Identifiers: ClinVar variation 546511 (VCV000546511.7), dbSNP rs368152533, ClinGen allele CA5814250.

ClinVar aggregate classification (germline): Conflicting classifications of pathogenicity. Review status: criteria provided, conflicting classifications (1 of 4 stars). 2 submissions from 2 submitters: Uncertain significance (1); Likely benign (1). Last evaluated 2026-01-22.

Conditions:
Neuronal ceroid lipofuscinosis. Also called: Neuronal Ceroid Lipofuscinoses. Identifiers: Orphanet 216, Orphanet 79263, MedGen C0027877, MONDO:0016295. Disease mechanism: loss of function.

Allele frequency attached by ClinVar (database versions not stated): gnomAD 0.00001; gnomAD exomes 0.00001; TOPMed 0.00001; ExAC 0.00002; ESP Exome Variant Server 0.00008.
gnomAD v4.1: 15 of 1,606,856 alleles (0.00093%); highest among the groups gnomAD compares: Admixed American, 0.005%; no homozygotes.

Submissions (2):

Labcorp Genetics (formerly Invitae), Labcorp
Classification: Likely benign for Neuronal ceroid lipofuscinosis. Last evaluated: 2026-01-22. Review status: criteria provided, single submitter. Criteria: Invitae Variant Classification Sherloc (09022015). Collection method: clinical testing. Allele origin: germline.

GeneDx
Classification: Uncertain significance. Last evaluated: 2018-05-25. Review status: criteria provided, single submitter. Criteria: GeneDx Variant Classification (06012015). Collection method: clinical testing. Allele origin: germline. Affected: yes.
Comment: A variant of uncertain significance has been identified in the CTSD gene. The c.229-19 G>A variant has not been published as a pathogenic variant, nor has it been reported as a benign variant to our knowledge. The c.229-19 G>A variant is not observed at a significant frequency in large population cohorts (Lek et al., 2016). Several in silico splice prediction models predict that c.229-19 G>A creates a cryptic acceptor site which may supplant the natural acceptor site and lead to abnormal gene splicing. However, in the absence of RNA/functional studies, the actual effect of this sequence change in this individual is unknown. Therefore, based on the currently available information, it is unclear whether this variant is a pathogenic variant or a rare benign variant.